The following is an entry in ClinVar:

NM_000393.5(COL5A2):c.4400A>G (p.Gln1467Arg)

Gene: COL5A2 (collagen type V alpha 2 chain; minus strand). Cytogenetic location: 2q32.2.
Variant type: single nucleotide variant.
Coding change: c.4400A>G on transcript NM_000393.5 (MANE Select); coding-DNA position 4400, A replaced by G.
Protein change: p.Gln1467Arg; replaces glutamine 1467 with arginine.
Molecular consequence: missense variant.
Genome position (GRCh38, 1-based): chr2:189,034,170, T>C on the plus strand (A>G on the coding strand, the complement: COL5A2 is on the minus strand). VCF-style: chr2-189034170-T-C. GRCh37 (hg19) VCF-style: chr2-189898896-T-C.
Other names: short protein forms Q1467R.
Identifiers: ClinVar variation 2910051 (VCV002910051.3), dbSNP rs2469207250, ClinGen allele CA349854616.
Genomic context (GRCh38, chr2:189,034,170, plus strand): 5'-TGGTCTGTGCCGCCAACATCCACAGGAGCAAGATCTATGATGGGCAAGCGTGCCACATTC[T>C]GTGTTCTATATTCAAAGACAGTCTTGCCCACATTTCCATTCCGCTTCTGAAATTAAATGA-3'
Protein context (NP_000384.2, residues 1457-1477): VGKTVFEYRT[Gln1467Arg]NVARLPIIDL

ClinVar aggregate classification (germline): Uncertain significance (1 of 4 stars; one submission).

Conditions:
Ehlers-Danlos syndrome, classic type, 1 (EDSCL1). Also called: EDS I; EHLERS-DANLOS SYNDROME, GRAVIS TYPE; EHLERS-DANLOS SYNDROME, SEVERE CLASSIC TYPE; Ehlers-Danlos syndrome, type 1; Ehlers-Danlos Syndrome, Classic Type, COL5A1-Related. Identifiers: MedGen C0268335, MONDO:0019567, OMIM 130000.

Submission:

Labcorp Genetics (formerly Invitae), Labcorp
Classification: Uncertain significance for Ehlers-Danlos syndrome, classic type, 1. Last evaluated: 2024-01-02. Review status: criteria provided, single submitter. Criteria: Invitae Variant Classification Sherloc (09022015). Collection method: clinical testing. Allele origin: germline.
Comment: This sequence change replaces glutamine, which is neutral and polar, with arginine, which is basic and polar, at codon 1467 of the COL5A2 protein (p.Gln1467Arg). This variant is not present in population databases (gnomAD no frequency). This variant has not been reported in the literature in individuals affected with COL5A2-related conditions. Advanced modeling of protein sequence and biophysical properties (such as structural, functional, and spatial information, amino acid conservation, physicochemical variation, residue mobility, and thermodynamic stability) performed at Invitae indicates that this missense variant is not expected to disrupt COL5A2 protein function with a negative predictive value of 80%. In summary, the available evidence is currently insufficient to determine the role of this variant in disease. Therefore, it has been classified as a Variant of Uncertain Significance.